The following is an entry in ClinVar:

ClinVar aggregate classification (germline): Uncertain significance. Review status: criteria provided, multiple submitters, no conflicts (2 of 4 stars). 3 submissions from 3 submitters: Uncertain significance (3). Last evaluated 2025-11-02.

Conditions:
Inborn genetic diseases. Identifiers: MedGen C0950123, MeSH D030342.

Allele frequency attached by ClinVar (database versions not stated): gnomAD 0.00002; TOPMed 0.00002.

Submissions (3):

Ambry Genetics
Classification: Uncertain significance for Inborn genetic diseases. Last evaluated: 2025-11-02. Review status: criteria provided, single submitter. Criteria: Ambry Variant Classification Scheme 2023. Collection method: clinical testing. Allele origin: germline.

Labcorp Genetics (formerly Invitae), Labcorp
Classification: Uncertain significance. Last evaluated: 2025-08-29. Review status: criteria provided, single submitter. Criteria: Invitae Variant Classification Sherloc (09022015). Collection method: clinical testing. Allele origin: germline.
Comment: This sequence change replaces cysteine, which is neutral and slightly polar, with arginine, which is basic and polar, at codon 1085 of the SAMD9L protein (p.Cys1085Arg). This variant is present in population databases (no rsID available, gnomAD 0.01%). This variant has not been reported in the literature in individuals affected with SAMD9L-related conditions. ClinVar contains an entry for this variant (Variation ID: 2172291). Invitae Evidence Modeling of protein sequence and biophysical properties (such as structural, functional, and spatial information, amino acid conservation, physicochemical variation, residue mobility, and thermodynamic stability) indicates that this missense variant is expected to disrupt SAMD9L protein function with a positive predictive value of 80%. In summary, the available evidence is currently insufficient to determine the role of this variant in disease. Therefore, it has been classified as a Variant of Uncertain Significance.

GeneDx
Classification: Uncertain significance. Last evaluated: 2024-01-22. Review status: criteria provided, single submitter. Criteria: GeneDx Variant Classification Process June 2021. Collection method: clinical testing. Allele origin: germline. Affected: yes.
Comment: Not observed at significant frequency in large population cohorts (gnomAD); In silico analysis supports that this missense variant has a deleterious effect on protein structure/function; Has not been previously published as pathogenic or benign to our knowledge; This variant is associated with the following publications: (PMID: 28545555)

NM_152703.5(SAMD9L):c.3253T>C (p.Cys1085Arg)

Gene: SAMD9L (sterile alpha motif domain containing 9 like; minus strand). Cytogenetic location: 7q21.2.
Variant type: single nucleotide variant.
Coding change: c.3253T>C on transcript NM_152703.5 (MANE Select); coding-DNA position 3253, T replaced by C.
Protein change: p.Cys1085Arg; replaces cysteine 1085 with arginine.
Molecular consequence: missense variant.
Genome position (GRCh38, 1-based): chr7:93,132,719, A>G on the plus strand (T>C on the coding strand, the complement: SAMD9L is on the minus strand). VCF-style: chr7-93132719-A-G. GRCh37 (hg19) VCF-style: chr7-92762032-A-G.
Other names: c.3253T>C, p.Cys1085Arg (NM_001303496.3, NM_001303497.3, NM_001303498.3 and 5 more transcripts); c.3253T>C (NM_152703.3, NM_152703.2); short protein forms C1085R.
Identifiers: ClinVar variation 2172291 (VCV002172291.7), dbSNP rs1330802454, ClinGen allele CA368183921.